The following is an entry in ClinVar:

NM_003060.4(SLC22A5):c.137C>T (p.Pro46Leu)

Gene: SLC22A5 (solute carrier family 22 member 5; plus strand). Cytogenetic location: 5q31.1.
Variant type: single nucleotide variant.
Coding change: c.137C>T on transcript NM_003060.4 (MANE Select); coding-DNA position 137, C replaced by T.
Protein change: p.Pro46Leu; replaces proline 46 with leucine.
Molecular consequence: missense variant.
Genome position (GRCh38, 1-based): chr5:132,370,109, C>T. VCF-style: chr5-132370109-C-T. GRCh37 (hg19) VCF-style: chr5-131705801-C-T.
Other names: c.137C>T, p.Pro46Leu (NM_001308122.2).
Identifiers: ClinVar variation 25357 (VCV000025357.18), dbSNP rs377767445, ClinGen allele CA342618.

ClinVar aggregate classification (germline): Conflicting classifications of pathogenicity. Review status: criteria provided, conflicting classifications (1 of 4 stars). 4 submissions from 4 submitters: Pathogenic (2); Likely pathogenic (1); Uncertain significance (1). Last evaluated 2025-08-20.

Conditions:
Carnitine deficiency. Identifiers: MedGen C1142132.
Renal carnitine transport defect (CDSP). Also called: Systemic primary carnitine deficiency disease; Carnitine transporter deficiency; Carnitine Deficiency, Systemic; CARNITINE DEFICIENCY, SYSTEMIC, DUE TO DEFECT IN RENAL REABSORPTION OF CARNITINE; CARNITINE TRANSPORTER, PLASMA-MEMBRANE, DEFICIENCY OF; CARNITINE UPTAKE DEFECT. Identifiers: Orphanet 158, MedGen C0342788, MONDO:0008919, OMIM 212140.

Allele frequency attached by ClinVar (database versions not stated): gnomAD exomes 0.00001; TOPMed 0.00001; gnomAD 0.00001; ExAC 0.00002.
gnomAD v4.1: 6 of 1,611,702 alleles (0.00037%); highest among the groups gnomAD compares: East Asian, 0.0067%; no homozygotes.

Submissions (4):

Natera, Inc.
Classification: Likely pathogenic for Carnitine deficiency. Last evaluated: 2025-08-20. Review status: criteria provided, single submitter. Criteria: Natera Variant Classification Schema (03/2026). Collection method: clinical testing. Allele origin: germline.
Comment: The c.137C>T variant in SLC22A5 is a missense variant predicted to cause substitution of proline to leucine at amino acid 46. This variant is rare in the general population with a frequency below the threshold expected for the associated phenotype(s). This variant has been observed in one or more individuals affected with the associated recessive disease, as either homozygous or compound heterozygous with a second variant (PMID: 28841266). A different variant at the same position has been determined to be Pathogenic or Likely Pathogenic. Computational prediction algorithms indicate this variant is likely to affect gene or protein function. Given the available evidence, this variant is classified as Likely Pathogenic.

Labcorp Genetics (formerly Invitae), Labcorp
Classification: Pathogenic for Renal carnitine transport defect. Last evaluated: 2025-07-21. Review status: criteria provided, single submitter. Criteria: Invitae Variant Classification Sherloc (09022015). Collection method: clinical testing. Allele origin: germline.
Comment: This sequence change replaces proline, which is neutral and non-polar, with leucine, which is neutral and non-polar, at codon 46 of the SLC22A5 protein (p.Pro46Leu). This variant is present in population databases (rs377767445, gnomAD 0.007%). This missense change has been observed in individual(s) with primary carnitine deficiency (PMID: 26828774, 28841266). ClinVar contains an entry for this variant (Variation ID: 25357). Invitae Evidence Modeling of protein sequence and biophysical properties (such as structural, functional, and spatial information, amino acid conservation, physicochemical variation, residue mobility, and thermodynamic stability) indicates that this missense variant is expected to disrupt SLC22A5 protein function with a positive predictive value of 95%. This variant disrupts the p.Pro46 amino acid residue in SLC22A5. Other variant(s) that disrupt this residue have been determined to be pathogenic (PMID: 17126586, 20574985, 23430858, 27896095, 28841266). This suggests that this residue is clinically significant, and that variants that disrupt this residue are likely to be disease-causing. For these reasons, this variant has been classified as Pathogenic.

Genome-Nilou Lab
Classification: Pathogenic for Renal carnitine transport defect. Last evaluated: 2021-07-15. Review status: criteria provided, single submitter. Criteria: ACMG Guidelines, 2015. Collection method: clinical testing. Allele origin: germline. Affected: no.

Eurofins Ntd Llc (ga)
Classification: Uncertain significance. Last evaluated: 2017-03-29. Review status: criteria provided, single submitter. Criteria: EGL Classification Definitions 2015. Collection method: clinical testing. Allele origin: germline. Observed: 1 variant allele, 1 heterozygote.

Literature cited by the submitters: PubMed 28841266 (cited by Natera, Inc. and Labcorp Genetics (formerly Invitae), Labcorp); PubMed 26828774 (cited by Labcorp Genetics (formerly Invitae), Labcorp); PubMed 17126586 (cited by Labcorp Genetics (formerly Invitae), Labcorp); PubMed 20574985 (cited by Labcorp Genetics (formerly Invitae), Labcorp); PubMed 23430858 (cited by Labcorp Genetics (formerly Invitae), Labcorp); PubMed 27896095 (cited by Labcorp Genetics (formerly Invitae), Labcorp).